The following is an entry in ClinVar:

ClinVar aggregate classification (germline): Uncertain significance (1 of 4 stars; one submission).

Allele frequency attached by ClinVar (database versions not stated): TOPMed below 0.00001; gnomAD exomes 0.00001.

Submission:

Labcorp Genetics (formerly Invitae), Labcorp
Classification: Uncertain significance. Last evaluated: 2024-03-11. Review status: criteria provided, single submitter. Criteria: Invitae Variant Classification Sherloc (09022015). Collection method: clinical testing. Allele origin: germline.
Comment: This sequence change replaces arginine, which is basic and polar, with glutamine, which is neutral and polar, at codon 381 of the CHRM2 protein (p.Arg381Gln). This variant is not present in population databases (gnomAD no frequency). This variant has not been reported in the literature in individuals affected with CHRM2-related conditions. ClinVar contains an entry for this variant (Variation ID: 660439). An algorithm developed to predict the effect of missense changes on protein structure and function (PolyPhen-2) suggests that this variant is likely to be disruptive. In summary, the available evidence is currently insufficient to determine the role of this variant in disease. Therefore, it has been classified as a Variant of Uncertain Significance.

NM_001006630.2(CHRM2):c.1142G>A (p.Arg381Gln)

Genes: CHRM2 (cholinergic receptor muscarinic 2; plus strand), LOC349160 (uncharacterized LOC349160; minus strand). Cytogenetic location: 7q33.
Variant type: single nucleotide variant.
Coding change: c.1142G>A on transcript NM_001006630.2 (MANE Select); coding-DNA position 1142, G replaced by A.
Protein change: p.Arg381Gln; replaces arginine 381 with glutamine.
Molecular consequence: missense variant.
Genome position (GRCh38, 1-based): chr7:137,016,007, G>A. VCF-style: chr7-137016007-G-A. GRCh37 (hg19) VCF-style: chr7-136700754-G-A.
Other names: c.1142G>A, p.Arg381Gln (NM_000739.3, NM_001006626.3, NM_001006627.3 and 6 more transcripts); short protein forms R381Q.
Identifiers: ClinVar variation 660439 (VCV000660439.10), dbSNP rs1432230108, ClinGen allele CA369488050.